The following is an entry in ClinVar:

NM_005529.7(HSPG2):c.7209C>T (p.Gly2403=)

Gene: HSPG2 (heparan sulfate proteoglycan 2; minus strand). Cytogenetic location: 1p36.12.
Variant type: single nucleotide variant.
Coding change: c.7209C>T on transcript NM_005529.7 (MANE Select); coding-DNA position 7209, C replaced by T.
Protein change: p.Gly2403=; no amino-acid change (glycine 2403 retained).
Molecular consequence: synonymous variant.
Genome position (GRCh38, 1-based): chr1:21,850,448, G>A on the plus strand (C>T on the coding strand, the complement: HSPG2 is on the minus strand). VCF-style: chr1-21850448-G-A. GRCh37 (hg19) VCF-style: chr1-22176941-G-A.
Other names: c.7212C>T, p.Gly2404= (NM_001291860.2); c.7209C>T (NM_005529.6).
Identifiers: ClinVar variation 2507107 (VCV002507107.5), dbSNP rs770212594, ClinGen allele CA671271.

ClinVar aggregate classification (germline): Conflicting classifications of pathogenicity. Review status: criteria provided, conflicting classifications (1 of 4 stars). 3 submissions from 3 submitters: Uncertain significance (2); Likely benign (1). Last evaluated 2025-01-15.

Allele frequency attached by ClinVar (database versions not stated): TOPMed 0.00003; ExAC 0.00005.
gnomAD v4.1: 112 of 1,612,042 alleles (0.0069%); highest among the groups gnomAD compares: Middle Eastern, 0.033%; no homozygotes.

Submissions (3):

Labcorp Genetics (formerly Invitae), Labcorp
Classification: Likely benign. Last evaluated: 2025-01-15. Review status: criteria provided, single submitter. Criteria: Invitae Variant Classification Sherloc (09022015). Collection method: clinical testing. Allele origin: germline.

Athena Diagnostics
Classification: Uncertain significance. Last evaluated: 2024-09-11. Review status: criteria provided, single submitter. Criteria: Athena Diagnostics Criteria. Collection method: clinical testing. Allele origin: unknown.

GeneDx
Classification: Uncertain significance. Last evaluated: 2024-06-18. Review status: criteria provided, single submitter. Criteria: GeneDx Variant Classification Process June 2021. Collection method: clinical testing. Allele origin: germline. Affected: yes.
Comment: Has not been previously published as pathogenic or benign to our knowledge; In silico analysis suggests this variant may impact gene splicing. In the absence of RNA/functional studies, the actual effect of this sequence change is unknown.